The following is an entry in ClinVar:

ClinVar aggregate classification (germline): Uncertain significance (1 of 4 stars; one submission).

Conditions:
Pyridoxine-dependent epilepsy (EPEO4). Also called: PYRIDOXINE DEPENDENCY WITH SEIZURES; Pyridoxine-Dependent Epilepsy - ALDH7A1; EPILEPSY, EARLY-ONSET, 4, VITAMIN B6-DEPENDENT; Pyridoxine-Dependent Seizures. Identifiers: Orphanet 3006, MedGen C1849508, MONDO:0009945, OMIM 266100. Disease mechanism: loss of function.

Submission:

Labcorp Genetics (formerly Invitae), Labcorp
Classification: Uncertain significance for Pyridoxine-dependent epilepsy. Last evaluated: 2020-03-06. Review status: criteria provided, single submitter. Criteria: Invitae Variant Classification Sherloc (09022015). Collection method: clinical testing. Allele origin: germline.
Comment: This sequence change replaces glutamic acid with aspartic acid at codon 146 of the ALDH7A1 protein (p.Glu146Asp). The glutamic acid residue is highly conserved and there is a small physicochemical difference between glutamic acid and aspartic acid. This variant is not present in population databases (ExAC no frequency). This variant has not been reported in the literature in individuals with ALDH7A1-related conditions. Algorithms developed to predict the effect of missense changes on protein structure and function are either unavailable or do not agree on the potential impact of this missense change (SIFT: "Deleterious"; PolyPhen-2: "Probably Damaging"; Align-GVGD: "Class C0"). In summary, the available evidence is currently insufficient to determine the role of this variant in disease. Therefore, it has been classified as a Variant of Uncertain Significance.

NM_001182.5(ALDH7A1):c.438A>C (p.Glu146Asp)

Gene: ALDH7A1 (aldehyde dehydrogenase 7 family member A1; minus strand). Cytogenetic location: 5q23.2.
Variant type: single nucleotide variant.
Coding change: c.438A>C on transcript NM_001182.5 (MANE Select); coding-DNA position 438, A replaced by C.
Protein change: p.Glu146Asp; replaces glutamic acid 146 with aspartic acid.
Molecular consequence: missense variant.
Genome position (GRCh38, 1-based): chr5:126,582,930, T>G on the plus strand (A>C on the coding strand, the complement: ALDH7A1 is on the minus strand). VCF-style: chr5-126582930-T-G. GRCh37 (hg19) VCF-style: chr5-125918622-T-G.
Other names: c.354A>C, p.Glu118Asp (NM_001201377.2); c.438A>C, p.Glu146Asp (NM_001202404.2); short protein forms E146D, E118D.
Identifiers: ClinVar variation 957986 (VCV000957986.10), dbSNP rs1751225267, ClinGen allele CA360731864.